The following is an entry in ClinVar:

ClinVar aggregate classification (germline): Conflicting classifications of pathogenicity. Review status: criteria provided, conflicting classifications (1 of 4 stars). 3 submissions from 3 submitters: Uncertain significance (2); Likely benign (1). Last evaluated 2024-09-20.

Conditions:
Orofaciodigital syndrome type 14. Also called: Orofaciodigital syndrome xiv. Identifiers: Orphanet 434179, MedGen C4706604, MONDO:0014413, OMIM 615948.
Inborn genetic diseases. Identifiers: MedGen C0950123, MeSH D030342.

Allele frequency attached by ClinVar (database versions not stated): gnomAD 0.00012 and 0.00014; ExAC 0.00017; gnomAD exomes 0.00017 and 0.00018; TOPMed 0.00018.
gnomAD v4.1: 285 of 1,614,026 alleles (0.018%); highest among the groups gnomAD compares: Middle Eastern, 0.049%; no homozygotes.

Submissions (3):

3billion
Classification: Likely benign for Orofaciodigital syndrome type 14. Last evaluated: 2024-09-20. Review status: criteria provided, single submitter. Criteria: ACMG Guidelines, 2015. Collection method: clinical testing. Allele origin: germline. Affected: no.
Comment: The homozygous variant was found in patients diagnosed with another variant in a different gene, with no symptoms related to the gene containing the homozygous variant.

Ambry Genetics
Classification: Uncertain significance for Inborn genetic diseases. Last evaluated: 2022-11-09. Review status: criteria provided, single submitter. Criteria: Ambry Variant Classification Scheme 2023. Collection method: clinical testing. Allele origin: germline.

Labcorp Genetics (formerly Invitae), Labcorp
Classification: Uncertain significance. Last evaluated: 2022-08-23. Review status: criteria provided, single submitter. Criteria: Invitae Variant Classification Sherloc (09022015). Collection method: clinical testing. Allele origin: germline.
Comment: This sequence change replaces leucine, which is neutral and non-polar, with proline, which is neutral and non-polar, at codon 1909 of the C2CD3 protein (p.Leu1909Pro). This variant is present in population databases (rs138354490, gnomAD 0.05%). This variant has not been reported in the literature in individuals affected with C2CD3-related conditions. ClinVar contains an entry for this variant (Variation ID: 1366317). Algorithms developed to predict the effect of missense changes on protein structure and function output the following: SIFT: "Tolerated"; PolyPhen-2: "Benign"; Align-GVGD: "Class C0". The proline amino acid residue is found in multiple mammalian species, which suggests that this missense change does not adversely affect protein function. In summary, the available evidence is currently insufficient to determine the role of this variant in disease. Therefore, it has been classified as a Variant of Uncertain Significance.

NM_001286577.2(C2CD3):c.5726T>C (p.Leu1909Pro)

Genes: C2CD3 (C2 domain containing 3 centriole elongation regulator; minus strand), LOC126861262 (CDK7 strongly-dependent group 2 enhancer GRCh37_chr11:73747696-73748895; plus strand). Cytogenetic location: 11q13.4.
Variant type: single nucleotide variant.
Coding change: c.5726T>C on transcript NM_001286577.2 (MANE Select); coding-DNA position 5726, T replaced by C.
Protein change: p.Leu1909Pro; replaces leucine 1909 with proline.
Molecular consequence: missense variant.
Genome position (GRCh38, 1-based): chr11:74,037,633, A>G on the plus strand (T>C on the coding strand, the complement: C2CD3 is on the minus strand). VCF-style: chr11-74037633-A-G. GRCh37 (hg19) VCF-style: chr11-73748678-A-G.
Other names: c.5726T>C, p.Leu1909Pro (NM_015531.6); c.5726T>C (NM_015531.4); short protein forms L1909P.
Identifiers: ClinVar variation 1366317 (VCV001366317.5), dbSNP rs138354490, ClinGen allele CA6181786.